The following is an entry in ClinVar:

NM_003060.4(SLC22A5):c.1445A>G (p.Tyr482Cys)

Gene: SLC22A5 (solute carrier family 22 member 5; plus strand). Cytogenetic location: 5q31.1.
Variant type: single nucleotide variant.
Coding change: c.1445A>G on transcript NM_003060.4 (MANE Select); coding-DNA position 1445, A replaced by G.
Protein change: p.Tyr482Cys; replaces tyrosine 482 with cysteine.
Molecular consequence: missense variant.
Genome position (GRCh38, 1-based): chr5:132,392,610, A>G. VCF-style: chr5-132392610-A-G. GRCh37 (hg19) VCF-style: chr5-131728302-A-G.
Other names: c.1517A>G, p.Tyr506Cys (NM_001308122.2); short protein forms Y482C, Y506C.
Identifiers: ClinVar variation 4688909 (VCV004688909.1).

ClinVar aggregate classification (germline): Uncertain significance (1 of 4 stars; one submission).

Submission:

Women's Health and Genetics/Laboratory Corporation of America, LabCorp
Classification: Uncertain significance. Last evaluated: 2025-12-22. Review status: criteria provided, single submitter. Criteria: LabCorp Variant Classification Summary - May 2015. Collection method: clinical testing. Allele origin: germline.
Comment: Variant summary: SLC22A5 c.1445A>G (p.Tyr482Cys) results in a non-conservative amino acid change in the encoded protein sequence. Algorithms developed to predict the effect of missense changes on protein structure and function all suggest that this variant is likely to be disruptive. The variant was absent in 251254 control chromosomes (gnomAD). The available data on variant occurrences in the general population are insufficient to allow any conclusion about variant significance. c.1445A>G has been observed in individuals affected with Systemic Primary Carnitine Deficiency (Lin_2020, Chang_2022, Ji_2023). These data do not allow any conclusion about variant significance. To our knowledge, no experimental evidence demonstrating an impact on protein function has been reported. The following publications have been ascertained in the context of this evaluation (PMID: 36568374, 38125748, 32371215). No submitters have cited clinical-significance assessments for this variant to ClinVar. Based on the evidence outlined above, the variant was classified as uncertain significance.

Literature cited by the submitters: PubMed 32371215; PubMed 36568374; PubMed 38125748.